The following is an entry in ClinVar:

NM_007194.4(CHEK2):c.89G>T (p.Gly30Val)

Gene: CHEK2 (checkpoint kinase 2; minus strand). Cytogenetic location: 22q12.1.
Variant type: single nucleotide variant.
Coding change: c.89G>T on transcript NM_007194.4 (MANE Select); coding-DNA position 89, G replaced by T.
Protein change: p.Gly30Val; replaces glycine 30 with valine.
Molecular consequence: missense variant.
Genome position (GRCh38, 1-based): chr22:28,734,633, C>A on the plus strand (G>T on the coding strand, the complement: CHEK2 is on the minus strand). VCF-style: chr22-28734633-C-A. GRCh37 (hg19) VCF-style: chr22-29130621-C-A.
Other names: c.89G>T, p.Gly30Val (NM_001005735.3, NM_001349956.3, NM_145862.3); c.-689G>T (NM_001257387.3); short protein forms G30V.
Identifiers: ClinVar variation 2775080 (VCV002775080.1), dbSNP rs112032663, ClinGen allele CA411091572.

ClinVar aggregate classification (germline): Uncertain significance (1 of 4 stars; one submission).

Conditions:
Hereditary cancer-predisposing syndrome. Also called: Neoplastic Syndromes, Hereditary; Tumor predisposition; Hereditary Cancer Syndrome; Hereditary neoplastic syndrome. Identifiers: Orphanet 140162, MedGen C0027672, MeSH D009386, MONDO:0015356.

Submission:

Color Diagnostics, LLC DBA Color Health
Classification: Uncertain significance for Hereditary cancer-predisposing syndrome. Last evaluated: 2024-03-07. Review status: criteria provided, single submitter. Criteria: ACMG Guidelines, 2015. Collection method: clinical testing. Allele origin: germline.
Comment: This missense variant replaces glycine with valine at codon 30 of the CHEK2 protein. Computational prediction suggests that this variant may not impact protein structure and function (internally defined REVEL score threshold <= 0.5, PMID: 27666373). To our knowledge, functional studies have not been reported for this variant. This variant has not been reported in individuals affected with hereditary cancer in the literature. This variant has not been identified in the general population by the Genome Aggregation Database (gnomAD). The available evidence is insufficient to determine the role of this variant in disease conclusively. Therefore, this variant is classified as a Variant of Uncertain Significance.